The following is an entry in ClinVar:

NC_012920.1(MT-ND5):m.13943C>T

Gene: MT-ND5 (mitochondrially encoded NADH dehydrogenase 5; plus strand).
Variant type: single nucleotide variant.
Genome position: chrM-13943-C-T.
Identifiers: ClinVar variation 693639 (VCV000693639.1), dbSNP rs1556424357, ClinGen allele CA414820209.

ClinVar aggregate classification (germline): Benign (1 of 4 stars; one submission).

Conditions:
Leigh syndrome (NULS). Also called: Leigh's necrotizing encephalopathy; Leigh's disease; Leigh's syndrome; LEIGH SYNDROME, NUCLEAR; Leigh Syndrome (mtDNA deletion); Leigh Disease. Identifiers: Orphanet 506, MedGen C2931891, MONDO:0009723, OMIM 256000.

Submission:

Wong Mito Lab, Molecular and Human Genetics, Baylor College of Medicine
Classification: Benign for Leigh syndrome. Last evaluated: 2019-10-17. Review status: criteria provided, single submitter. Criteria: Modified ACMG Guidelines (Unpublished). Collection method: clinical testing. Allele origin: germline.
Comment: The NC_012920.1:m.13943C>T (YP_003024036.1:p.Thr536Met) variant in MTND5 gene is interpretated to be a Benign variant based on the modified ACMG guidelines (unpublished). This variant meets the following evidence codes: BS1, BS2, BP4